The following is an entry in ClinVar:

NM_000051.4(ATM):c.4980C>T (p.Asn1660=)

Gene: ATM (ATM serine/threonine kinase; plus strand). Cytogenetic location: 11q22.3.
Variant type: single nucleotide variant.
Coding change: c.4980C>T on transcript NM_000051.4 (MANE Select); coding-DNA position 4980, C replaced by T.
Protein change: p.Asn1660=; no amino-acid change (asparagine 1660 retained).
Molecular consequence: synonymous variant.
Genome position (GRCh38, 1-based): chr11:108,297,357, C>T. VCF-style: chr11-108297357-C-T. GRCh37 (hg19) VCF-style: chr11-108168084-C-T.
Other names: p.N1660N:AAC>AAT; NP_000042.3:p.Asn1660=; p.Asn1660=; c.4980C>T, p.Asn1660= (NM_001351834.2).
Identifiers: ClinVar variation 135758 (VCV000135758.76), dbSNP rs144338238, ClinGen allele CA289572.

ClinVar aggregate classification (germline): Benign/Likely benign. Review status: criteria provided, multiple submitters, no conflicts (2 of 4 stars). 22 submissions from 22 submitters: Benign (3); Likely benign (13). 6 of the submissions do not count toward it. Last evaluated 2026-02-02.

Conditions:
Breast and/or ovarian cancer. Identifiers: MedGen CN221562.
Hereditary cancer-predisposing syndrome. Also called: Tumor predisposition; Hereditary neoplastic syndrome; Hereditary Cancer Syndrome; Neoplastic Syndromes, Hereditary. Identifiers: Orphanet 140162, MedGen C0027672, MeSH D009386, MONDO:0015356.
Hereditary breast ovarian cancer syndrome. Also called: Hereditary breast and ovarian cancer; Hereditary breast and/or ovarian cancer syndrome; BRCA1- and BRCA2-Associated Hereditary Breast and Ovarian Cancer; Hereditary breast and ovarian cancer syndrome (HBOC); Hereditary breast and ovarian cancer syndrome; Breast and ovarian cancer. Identifiers: Orphanet 145, MedGen C0677776, MeSH D061325, MONDO:0003582. Disease mechanism: loss of function.
Familial cancer of breast. Also called: Hereditary breast cancer; hereditary breast carcinoma; BREAST CANCER, FAMILIAL. Identifiers: Orphanet 227535, MedGen C0346153, MONDO:0016419, OMIM 114480. Disease mechanism: loss of function.
Ataxia-telangiectasia syndrome (AT). Also called: ATAXIA-TELANGIECTASIA, COMPLEMENTATION GROUP A; ATAXIA-TELANGIECTASIA, FRESNO VARIANT; Ataxia-telangiectasia; Ataxia-telangiectasia, complementation group D; AT, COMPLEMENTATION GROUP C; Ataxia-telangiectasia, complementation group E. Identifiers: Orphanet 100, MedGen C0004135, MONDO:0008840, OMIM 208900.
Malignant tumor of breast. Also called: Cancer breast; Malignant breast neoplasm. Identifiers: MedGen C0006142, MONDO:0007254. Disease mechanism: loss of function.

Allele frequency attached by ClinVar (database versions not stated): gnomAD 0.00017 and 0.00019; TOPMed 0.00019; ESP Exome Variant Server 0.00046.
gnomAD v4.1: 619 of 1,613,854 alleles (0.038%); highest among the groups gnomAD compares: Non-Finnish European, 0.048%; no homozygotes.

Submissions (22):

Labcorp Genetics (formerly Invitae), Labcorp
Classification: Likely benign for Ataxia-telangiectasia syndrome. Last evaluated: 2026-02-02. Review status: criteria provided, single submitter. Criteria: Invitae Variant Classification Sherloc (09022015). Collection method: clinical testing. Allele origin: germline.

CeGaT Center for Human Genetics Tuebingen
Classification: Likely benign. Last evaluated: 2026-02-01. Review status: criteria provided, single submitter. Criteria: CeGaT Center For Human Genetics Tuebingen Variant Classification Criteria Version 2. Collection method: clinical testing. Allele origin: germline. Affected: yes. Observed: 8 variant alleles.
Comment: ATM: BP4, BP7

Mayo Clinic Laboratories, Mayo Clinic
Classification: Likely benign. Last evaluated: 2025-12-02. Review status: criteria provided, single submitter. Criteria: ACMG Guidelines, 2015. Collection method: clinical testing. Allele origin: germline. Observed: 3 variant alleles.
Comment: BS1, BP4, BP7

Center for Genomic Medicine, Rigshospitalet, Copenhagen University Hospital
Classification: Likely benign. Last evaluated: 2025-03-04. Review status: criteria provided, single submitter. Criteria: ACMG Guidelines, 2015. Collection method: clinical testing. Allele origin: germline.

Blueprint Genetics
Classification: Likely benign. Last evaluated: 2024-11-19. Review status: criteria provided, single submitter. Criteria: ACMG Guidelines, 2015. Collection method: clinical testing. Allele origin: germline.

Myriad Genetics, Inc.
Classification: Benign for Familial cancer of breast. Last evaluated: 2024-05-21. Review status: criteria provided, single submitter. Criteria: Myriad Autosomal Dominant, Autosomal Recessive and X-Linked Classification Criteria (2023). Collection method: clinical testing. Allele origin: unknown.
Comment: This variant is considered benign. This variant is a silent/synonymous amino acid change and it is not expected to impact splicing.

ARUP Laboratories, Molecular Genetics and Genomics, ARUP Laboratories
Classification: Likely benign. Last evaluated: 2024-03-04. Review status: criteria provided, single submitter. Criteria: ARUP Molecular Germline Variant Investigation Process 2024. Collection method: clinical testing. Allele origin: germline.

CHEO Genetics Diagnostic Laboratory, Children's Hospital of Eastern Ontario
Classification: Likely benign for Breast and/or ovarian cancer. Last evaluated: 2022-08-15. Review status: criteria provided, single submitter. Criteria: ACMG Guidelines, 2015. Collection method: clinical testing. Allele origin: germline.

National Health Laboratory Service, Universitas Academic Hospital and University of the Free State
Classification: Likely benign for Hereditary breast ovarian cancer syndrome. Last evaluated: 2022-04-19. Review status: criteria provided, single submitter. Criteria: ACMG Guidelines, 2015. Collection method: clinical testing. Allele origin: germline. Affected: yes. Observed: 1 variant allele.

Sema4
Classification: Likely benign for Hereditary cancer-predisposing syndrome. Last evaluated: 2021-06-03. Review status: criteria provided, single submitter. Criteria: Sema4 Curation Guidelines. Collection method: curation. Allele origin: germline.

Genetic Services Laboratory, University of Chicago
Classification: Likely benign. Last evaluated: 2018-02-26. Review status: criteria provided, single submitter. Criteria: ACMG Guidelines, 2015. Collection method: clinical testing. Allele origin: germline. Affected: no.

PreventionGenetics, part of Exact Sciences
Classification: Likely benign. Last evaluated: 2017-08-24. Review status: criteria provided, single submitter. Criteria: ACMG Guidelines, 2015. Collection method: clinical testing. Allele origin: germline.

Women's Health and Genetics/Laboratory Corporation of America, LabCorp
Classification: Benign. Last evaluated: 2017-07-21. Review status: criteria provided, single submitter. Criteria: LabCorp Variant Classification Summary - May 2015. Collection method: clinical testing. Allele origin: germline.

Color Diagnostics, LLC DBA Color Health
Classification: Likely benign for Hereditary cancer-predisposing syndrome. Last evaluated: 2015-07-21. Review status: criteria provided, single submitter. Criteria: ACMG Guidelines, 2015. Collection method: clinical testing. Allele origin: germline.

Ambry Genetics
Classification: Likely benign for Hereditary cancer-predisposing syndrome. Last evaluated: 2014-06-23. Review status: criteria provided, single submitter. Criteria: Ambry Variant Classification Scheme 2023. Collection method: clinical testing. Allele origin: germline.

GeneDx
Classification: Benign. Last evaluated: 2014-01-24. Review status: criteria provided, single submitter. Criteria: GeneDx Variant Classification (06012015). Collection method: clinical testing. Allele origin: germline. Affected: yes.
Comment: This variant is considered likely benign or benign based on one or more of the following criteria: it is a conservative change, it occurs at a poorly conserved position in the protein, it is predicted to be benign by multiple in silico algorithms, and/or has population frequency not consistent with disease.

Clinical Genetics DNA and cytogenetics Diagnostics Lab, Erasmus MC, Erasmus Medical Center
Classification: Likely benign. Review status: no assertion criteria provided. Collection method: clinical testing. Allele origin: germline. Affected: yes. Study: VKGL Data-share Consensus. Not counted in ClinVar's aggregate classification.

Clinical Genetics Laboratory, Department of Pathology, Netherlands Cancer Institute
Classification: Likely benign. Review status: no assertion criteria provided. Collection method: clinical testing. Allele origin: germline. Affected: yes. Study: VKGL Data-share Consensus. Not counted in ClinVar's aggregate classification.

Department of Pathology and Laboratory Medicine, Sinai Health System
Classification: Likely benign for Malignant tumor of breast. Review status: no assertion criteria provided. Collection method: clinical testing. Allele origin: unknown. Affected: yes. Observed: 2 variant alleles. Study: The Canadian Open Genetics Repository (COGR). Not counted in ClinVar's aggregate classification.
Comment: The ATM p.Asn1660 variant was identified in the literature however the frequency of this variant in an affected population was not provided. The variant was present in 1 of 562 control chromosomes (frequency: 0.002) from healthy individuals (Skowronska 2012). The variant was also identified in dbSNP (ID: rs144338238) as With Likely benign allele, ClinVar (classified as benign by GeneDx; classified as likely benign by Invitae, Ambry Genetics, Color Genomics), databases. The variant was not identified in GeneInsight-COGR, Cosmic, MutDB, LOVD 3.0, ATM-LOVD, databases. The variant was identified in control databases in 68 of 276658 chromosomes at a frequency of 0.000246 increasing the likelihood this could be a low frequency benign variant (Genome Aggregation Consortium Feb 27, 2017). The p.Asn1660= variant is not expected to have clinical significance because it does not result in a change of amino acid and is not located in a known consensus splice site. In addition, in silico or computational prediction software programs (SpliceSiteFinder, MaxEntScan, NNSPLICE, GeneSplicer, HumanSpliceFinder) do not predict a difference in splicing. In summary, based on the above information, the clinical significance of this variant cannot be determined with certainty at this time although we would lean towards a more benign role for this variant. This variant is classified as likely benign.

Genome Diagnostics Laboratory, Amsterdam University Medical Center
Classification: Likely benign. Review status: no assertion criteria provided. Collection method: clinical testing. Allele origin: germline. Affected: yes. Study: VKGL Data-share Consensus. Not counted in ClinVar's aggregate classification.

Genome Diagnostics Laboratory, University Medical Center Utrecht
Classification: Likely benign. Review status: no assertion criteria provided. Collection method: clinical testing. Allele origin: germline. Affected: yes. Study: VKGL Data-share Consensus. Not counted in ClinVar's aggregate classification.

Joint Genome Diagnostic Labs from Nijmegen and Maastricht, Radboudumc and MUMC+
Classification: Likely benign. Review status: no assertion criteria provided. Collection method: clinical testing. Allele origin: germline. Affected: yes. Study: VKGL Data-share Consensus. Not counted in ClinVar's aggregate classification.

Literature cited by the submitters: PubMed 21933854 (cited by Women's Health and Genetics/Laboratory Corporation of America, LabCorp and Ambry Genetics); PubMed 20305132 (cited by Women's Health and Genetics/Laboratory Corporation of America, LabCorp).